The following is an entry in ClinVar:

NM_000090.4(COL3A1):c.343G>T (p.Gly115Cys)

Gene: COL3A1 (collagen type III alpha 1 chain; plus strand). Cytogenetic location: 2q32.2.
Variant type: single nucleotide variant.
Coding change: c.343G>T on transcript NM_000090.4 (MANE Select); coding-DNA position 343, G replaced by T.
Protein change: p.Gly115Cys; replaces glycine 115 with cysteine.
Molecular consequence: missense variant.
Genome position (GRCh38, 1-based): chr2:188,985,674, G>T. VCF-style: chr2-188985674-G-T. GRCh37 (hg19) VCF-style: chr2-189850400-G-T.
Other names: short protein forms G115C.
Identifiers: ClinVar variation 1464274 (VCV001464274.11), dbSNP rs964468427, ClinGen allele CA62586201.

ClinVar aggregate classification (germline): Uncertain significance. Review status: criteria provided, multiple submitters, no conflicts (2 of 4 stars). 3 submissions from 3 submitters: Uncertain significance (3). Last evaluated 2026-08-17.

Conditions:
Ehlers-Danlos syndrome, type 4 (EDSVASC). Also called: Ehlers-Danlos syndrome vascular type; Ehlers Danlos syndrome, ecchymotic type; Ehlers Danlos syndrome, arterial type; Ehlers Danlos syndrome, Sack-Barabas type; Ehlers-Danlos Syndrome Type IV. Identifiers: Orphanet 286, MedGen C0268338, MONDO:0017314, OMIM 130050.
Familial thoracic aortic aneurysm and aortic dissection (TAAD). Also called: Thoracic aortic aneurysms and dissections. Identifiers: Orphanet 91387, MedGen C4707243, MONDO:0019625.

Submissions (3):

Ambry Genetics
Classification: Uncertain significance for Familial thoracic aortic aneurysm and aortic dissection. Last evaluated: 2026-08-17. Review status: criteria provided, single submitter. Criteria: Ambry Variant Classification Scheme 2023. Collection method: clinical testing. Allele origin: germline.
Comment: The p.G115C variant (also known as c.343G>T), located in coding exon 4 of the COL3A1 gene, results from a G to T substitution at nucleotide position 343. The glycine at codon 115 is replaced by cysteine, an amino acid with highly dissimilar properties. This amino acid position is highly conserved in available vertebrate species. In addition, this alteration is predicted to be deleterious by in silico analysis. Based on the available evidence, the clinical significance of this variant remains unclear.

Labcorp Genetics (formerly Invitae), Labcorp
Classification: Uncertain significance for Ehlers-Danlos syndrome, type 4. Last evaluated: 2026-01-17. Review status: criteria provided, single submitter. Criteria: Invitae Variant Classification Sherloc (09022015). Collection method: clinical testing. Allele origin: germline.
Comment: This sequence change replaces glycine, which is neutral and non-polar, with cysteine, which is neutral and slightly polar, at codon 115 of the COL3A1 protein (p.Gly115Cys). This variant is not present in population databases (gnomAD no frequency). This variant has not been reported in the literature in individuals affected with COL3A1-related conditions. ClinVar contains an entry for this variant (Variation ID: 1464274). Invitae Evidence Modeling of protein sequence and biophysical properties (such as structural, functional, and spatial information, amino acid conservation, physicochemical variation, residue mobility, and thermodynamic stability) indicates that this missense variant is expected to disrupt COL3A1 protein function with a positive predictive value of 95%. In summary, the available evidence is currently insufficient to determine the role of this variant in disease. Therefore, it has been classified as a Variant of Uncertain Significance.

Women's Health and Genetics/Laboratory Corporation of America, LabCorp
Classification: Uncertain significance. Last evaluated: 2022-04-18. Review status: criteria provided, single submitter. Criteria: LabCorp Variant Classification Summary - May 2015. Collection method: clinical testing. Allele origin: germline.
Comment: Variant summary: COL3A1 c.343G>T (p.Gly115Cys) results in a non-conservative amino acid change in the encoded protein sequence. Five of five in-silico tools predict a damaging effect of the variant on protein function. The variant was absent in 249320 control chromosomes. The available data on variant occurrences in the general population are insufficient to allow any conclusion about variant significance. To our knowledge, no occurrence of c.343G>T in individuals affected with Ehlers-Danlos Syndrome, Vascular Type and no experimental evidence demonstrating its impact on protein function have been reported. One clinical diagnostic laboratory has submitted clinical-significance assessments for this variant to ClinVar after 2014 without evidence for independent evaluation and classified the variant as uncertain significance. Based on the evidence outlined above, the variant was classified as uncertain significance.